The following is an entry in ClinVar:

ClinVar aggregate classification (germline): Likely benign. Review status: reviewed by expert panel (3 of 4 stars). 3 submissions from 3 submitters: Likely benign (1). 2 of the submissions do not count toward it. Last evaluated 2017-06-29.

Conditions:
Hereditary cancer-predisposing syndrome. Also called: Tumor predisposition; Hereditary Cancer Syndrome; Hereditary neoplastic syndrome; Neoplastic Syndromes, Hereditary. Identifiers: Orphanet 140162, MedGen C0027672, MeSH D009386, MONDO:0015356.
Hereditary breast ovarian cancer syndrome. Also called: Hereditary breast and ovarian cancer; Breast and ovarian cancer; BRCA1- and BRCA2-Associated Hereditary Breast and Ovarian Cancer; Hereditary breast and ovarian cancer syndrome; Hereditary breast and ovarian cancer syndrome (HBOC); Hereditary breast and/or ovarian cancer syndrome. Identifiers: Orphanet 145, MedGen C0677776, MeSH D061325, MONDO:0003582. Disease mechanism: loss of function.
Breast-ovarian cancer, familial, susceptibility to, 2 (BROVCA2). Also called: BRCA2 Hereditary Breast and Ovarian Cancer. Identifiers: Orphanet 145, MedGen C2675520, MONDO:0012933, OMIM 612555. Disease mechanism: loss of function.

Allele frequency attached by ClinVar (database versions not stated): gnomAD exomes below 0.00001; ExAC 0.00001.
gnomAD v4.1: 1 of 1,614,192 alleles (0.000062%); highest among the groups gnomAD compares: South Asian, 0.0011%; no homozygotes.

Submissions (3):

Evidence-based Network for the Interpretation of Germline Mutant Alleles (ENIGMA)
Classification: Likely benign for Breast-ovarian cancer, familial, susceptibility to, 2. Last evaluated: 2017-06-29. Review status: reviewed by expert panel. Criteria: ENIGMA BRCA1/2 Classification Criteria (2017-06-29). Collection method: curation. Allele origin: germline.
Comment: Synonymous substitution variant, with low bioinformatic likelihood to result in a splicing aberration (Splicing prior probability 0.02).

Ambry Genetics
Classification: Likely benign for Hereditary cancer-predisposing syndrome. Last evaluated: 2025-06-23. Review status: criteria provided, single submitter. Criteria: Ambry Variant Classification Scheme 2023. Collection method: clinical testing. Allele origin: germline. Not counted in ClinVar's aggregate classification.

Labcorp Genetics (formerly Invitae), Labcorp
Classification: Likely benign for Hereditary breast ovarian cancer syndrome. Last evaluated: 2024-09-12. Review status: criteria provided, single submitter. Criteria: Invitae Variant Classification Sherloc (09022015). Collection method: clinical testing. Allele origin: germline. Not counted in ClinVar's aggregate classification.

NM_000059.4(BRCA2):c.8268A>C (p.Ala2756=)

Gene: BRCA2 (BRCA2 DNA repair associated; plus strand). Cytogenetic location: 13q13.1.
Variant type: single nucleotide variant.
Coding change: c.8268A>C on transcript NM_000059.4 (MANE Select); coding-DNA position 8268, A replaced by C.
Protein change: p.Ala2756=; no amino-acid change (alanine 2756 retained).
Molecular consequence: synonymous variant.
Genome position (GRCh38, 1-based): chr13:32,363,470, A>C. VCF-style: chr13-32363470-A-C. GRCh37 (hg19) VCF-style: chr13-32937607-A-C.
Identifiers: ClinVar variation 236916 (VCV000236916.15), dbSNP rs746260964, ClinGen allele CA6941202.
Genomic context (GRCh38, chr13:32,363,470, plus strand): 5'-CTTAGCTGTCTTAAAGAATGGCAGACTGACAGTTGGTCAGAAGATTATTCTTCATGGAGC[A>C]GAACTGGTGGGCTCTCCTGATGCCTGTACACCTCTTGAAGCCCCAGAATCTCTTATGTTA-3'
Protein context (NP_000050.3, residues 2746-2766): TVGQKIILHG[Ala2756=]ELVGSPDACT